The following is an entry in ClinVar:

ClinVar aggregate classification (germline): Likely pathogenic. Review status: reviewed by expert panel (3 of 4 stars). 7 submissions from 7 submitters: Likely pathogenic (1). 6 of the submissions do not count toward it. Last evaluated 2018-08-10.

Conditions:
Phenylketonuria (PKU). Also called: Phenylketonuria (PKU); FOLLING DISEASE; OLIGOPHRENIA PHENYLPYRUVICA; Phenylketonurias. Identifiers: Orphanet 716, MedGen C0031485, MONDO:0009861, OMIM 261600. Disease mechanism: loss of function.

gnomAD v4.1: 2 of 1,613,626 alleles (0.00012%); highest among the groups gnomAD compares: Non-Finnish European, 0.00017%; no homozygotes.

Submissions (7):

ClinGen PAH Variant Curation Expert Panel
Classification: Likely pathogenic for Phenylketonuria. Last evaluated: 2018-08-10. Review status: reviewed by expert panel. Criteria: ClinGen PAH ACMG Specifications v1. Collection method: curation. Allele origin: germline. Inheritance: Autosomal recessive inheritance.
Comment: PAH-specific ACMG/AMP criteria applied: PM2: absent from ExAC, gnomAD, 1000G, ESP. PAGE MAF=0.00066; PP3: Deleterious effect predicted in SIFT, Polyphen-2, MutationTaster. REVEL=0.967; Cofactor deficiency excluded. (PMID:10679941); PM3: Detected in trans with R408W (P) (PMID:10679941). In summary this variant meets criteria to be classified as likely pathogenic for phenylketonuria in an autosomal recessive manner based on the ACMG/AMP criteria applied as specified by the PAH Expert Panel: (PM2, PP3, PP4_Moderate, PM3).

Natera, Inc.
Classification: Pathogenic for Phenylketonuria. Last evaluated: 2025-09-16. Review status: criteria provided, single submitter. Criteria: Natera Variant Classification Schema (03/2026). Collection method: clinical testing. Allele origin: germline. Not counted in ClinVar's aggregate classification.
Comment: The c.464G>C variant in PAH is a missense variant predicted to cause substitution of arginine to proline at amino acid 155. This variant is rare in the general population with a frequency below the threshold expected for the associated phenotype(s). This variant has been observed in one or more individuals affected with the associated recessive disease, as either homozygous or compound heterozygous with a second variant (PMID: 10679941, 26666653, 25551302). A different variant at the same position has been determined to be Pathogenic or Likely Pathogenic. Computational prediction algorithms indicate this variant is likely to affect gene or protein function. Given the available evidence, this variant is classified as Pathogenic.

Women's Health and Genetics/Laboratory Corporation of America, LabCorp
Classification: Pathogenic for Phenylketonuria. Last evaluated: 2025-06-30. Review status: criteria provided, single submitter. Criteria: LabCorp Variant Classification Summary - May 2015. Collection method: clinical testing. Allele origin: germline. Not counted in ClinVar's aggregate classification.
Comment: Variant summary: PAH c.464G>C (p.Arg155Pro) results in a non-conservative amino acid change in the encoded protein sequence. Algorithms developed to predict the effect of missense changes on protein structure and function all suggest that this variant is likely to be disruptive. The variant was absent in 251348 control chromosomes. c.464G>C has been observed in multiple individuals affected with Phenylalanine Hydroxylase Deficiency (Phenylketonuria)(e.g., Hannermann_2000, Hillert_2020). These data indicate that the variant is very likely to be associated with disease. Other variants affecting the same codon have been classified as likely pathogenic/pathogenic by our lab (c.464G>A/p.Arg155His, c.463C>T, p.Arg155Cys), supporting the critical relevance of codon 155 to PAH protein function. The following publications have been ascertained in the context of this evaluation (PMID: 10679941, 32668217). ClinVar contains an entry for this variant (Variation ID: 102687). Based on the evidence outlined above, the variant was classified as pathogenic.

Labcorp Genetics (formerly Invitae), Labcorp
Classification: Pathogenic for Phenylketonuria. Last evaluated: 2024-03-10. Review status: criteria provided, single submitter. Criteria: Invitae Variant Classification Sherloc (09022015). Collection method: clinical testing. Allele origin: germline. Not counted in ClinVar's aggregate classification.
Comment: This sequence change replaces arginine, which is basic and polar, with proline, which is neutral and non-polar, at codon 155 of the PAH protein (p.Arg155Pro). This variant is not present in population databases (gnomAD no frequency). This missense change has been observed in individual(s) with hyperphenylalaninemia (PMID: 10679941, 26666653). In at least one individual the data is consistent with being in trans (on the opposite chromosome) from a pathogenic variant. ClinVar contains an entry for this variant (Variation ID: 102687). Advanced modeling of protein sequence and biophysical properties (such as structural, functional, and spatial information, amino acid conservation, physicochemical variation, residue mobility, and thermodynamic stability) performed at Invitae indicates that this missense variant is expected to disrupt PAH protein function with a positive predictive value of 80%. This variant disrupts the p.Arg155 amino acid residue in PAH. Other variant(s) that disrupt this residue have been determined to be pathogenic (PMID: 23514811). This suggests that this residue is clinically significant, and that variants that disrupt this residue are likely to be disease-causing. For these reasons, this variant has been classified as Pathogenic.

Eurofins Ntd Llc (ga)
Classification: Uncertain significance. Last evaluated: 2015-09-29. Review status: criteria provided, single submitter. Criteria: EGL Classification Definitions 2015. Collection method: clinical testing. Allele origin: germline. Observed: 1 variant allele, 1 heterozygote. Not counted in ClinVar's aggregate classification.

Counsyl
Classification: Likely pathogenic for Phenylketonuria. Last evaluated: 2017-06-20. Review status: no assertion criteria provided. Collection method: clinical testing. Allele origin: unknown. Not counted in ClinVar's aggregate classification.

DeBelle Laboratory for Biochemical Genetics, MUHC/MCH RESEARCH INSTITUTE
No classification provided. Review status: no classification provided. Collection method: not provided. Allele origin: not provided. Not counted in ClinVar's aggregate classification.

Literature cited by the submitters: PubMed 10679941 (cited by 6 submitters); PubMed 26666653 (cited by 3 submitters); PubMed 25551302 (cited by Natera, Inc. and Counsyl); PubMed 32668217 (cited by Women's Health and Genetics/Laboratory Corporation of America, LabCorp); PubMed 23514811 (cited by Labcorp Genetics (formerly Invitae), Labcorp).

NM_000277.3(PAH):c.464G>C (p.Arg155Pro)

Gene: PAH (phenylalanine hydroxylase; minus strand). Cytogenetic location: 12q23.2.
Variant type: single nucleotide variant.
Coding change: c.464G>C on transcript NM_000277.3 (MANE Select); coding-DNA position 464, G replaced by C.
Protein change: p.Arg155Pro; replaces arginine 155 with proline.
Molecular consequence: missense variant.
Genome position (GRCh38, 1-based): chr12:102,866,641, C>G on the plus strand (G>C on the coding strand, the complement: PAH is on the minus strand). VCF-style: chr12-102866641-C-G. GRCh37 (hg19) VCF-style: chr12-103260419-C-G.
Other names: NM_000277.2(PAH):c.464G>C; c.464G>C (NM_000277.2); c.464G>C, p.Arg155Pro (NM_001354304.2); short protein forms R155P.
Identifiers: ClinVar variation 102687 (VCV000102687.14), dbSNP rs199475663, ClinGen allele CA229561.